The following is an entry in ClinVar:

ClinVar aggregate classification (germline): Likely pathogenic (0 of 4 stars; one submission).

Conditions:
SMPX-related disorder. Also called: SMPX-related condition.

Submission:

PreventionGenetics, part of Exact Sciences
Classification: Likely pathogenic for SMPX-related condition. Last evaluated: 2024-07-03. Review status: no assertion criteria provided. Collection method: clinical testing. Allele origin: germline.
Comment: The SMPX c.109dupG variant is predicted to result in a frameshift and premature protein termination (p.Glu37Glyfs*5). To our knowledge, this variant has not been reported in the literature or in a large population database, indicating this variant is rare. Frameshift variants in SMPX are expected to be pathogenic. This variant is interpreted as likely pathogenic.

NM_014332.3(SMPX):c.109dup (p.Glu37fs)

Gene: SMPX (small muscle protein X-linked; minus strand). Cytogenetic location: Xp22.12.
Variant type: Duplication.
Coding change: c.109dup on transcript NM_014332.3 (MANE Select); coding-DNA position 109, one base duplicated (G; older notation c.109dupG).
Protein change: p.Glu37fs; shifts the reading frame from glutamic acid 37.
Molecular consequence: frameshift variant. On other transcripts: non-coding transcript variant (1).
Genome position (GRCh38, 1-based): chrX:21,743,773, C duplicated on the plus strand (G on the coding strand, the reverse complement: SMPX is on the minus strand). VCF-style (leftmost placement, unchanged base first): chrX-21743772-T-TC. GRCh37 (hg19) VCF-style: chrX-21761890-T-TC.
Other names: short protein forms E37fs.
Identifiers: ClinVar variation 3347097 (VCV003347097.1).